The following is an entry in ClinVar:

ClinVar aggregate classification (germline): Benign/Likely benign. Review status: criteria provided, multiple submitters, no conflicts (2 of 4 stars). 5 submissions from 5 submitters: Benign (3); Likely benign (2). Last evaluated 2026-09-01.

Conditions:
Inborn genetic diseases. Identifiers: MedGen C0950123, MeSH D030342.

Allele frequency attached by ClinVar (database versions not stated): ESP Exome Variant Server 0.00107; gnomAD 0.00245 and 0.00249; 1000 Genomes Project 0.00260; TOPMed 0.00266; 1000 Genomes Project 30x 0.00281; gnomAD exomes 0.00402; ExAC 0.00564.
gnomAD v4.1: 2,605 of 1,457,480 alleles (0.18%); highest among the groups gnomAD compares: Middle Eastern, 2%; 14 homozygotes.

Submissions (5):

CeGaT Center for Human Genetics Tuebingen
Classification: Benign. Last evaluated: 2026-09-01. Review status: criteria provided, single submitter. Criteria: CeGaT Center For Human Genetics Tuebingen Variant Classification Criteria Version 2. Collection method: clinical testing. Allele origin: germline. Affected: yes. Observed: 7 variant alleles.
Comment: SPEG: BP4, BS1, BS2

Labcorp Genetics (formerly Invitae), Labcorp
Classification: Benign. Last evaluated: 2026-01-26. Review status: criteria provided, single submitter. Criteria: Invitae Variant Classification Sherloc (09022015). Collection method: clinical testing. Allele origin: germline.

Ambry Genetics
Classification: Likely benign for Inborn genetic diseases. Last evaluated: 2025-08-01. Review status: criteria provided, single submitter. Criteria: Ambry Variant Classification Scheme 2023. Collection method: clinical testing. Allele origin: germline.

Blueprint Genetics
Classification: Likely benign. Last evaluated: 2024-11-26. Review status: criteria provided, single submitter. Criteria: ACMG Guidelines, 2015. Collection method: clinical testing. Allele origin: germline.

Breakthrough Genomics
Classification: Benign. Review status: criteria provided, single submitter. Criteria: ACMG Guidelines, 2015. Collection method: not provided. Allele origin: germline. Inheritance: Autosomal recessive inheritance. Affected: yes.

NM_005876.5(SPEG):c.153C>T (p.Asn51=)

Gene: SPEG (striated muscle enriched protein kinase; plus strand). Cytogenetic location: 2q35.
Variant type: single nucleotide variant.
Coding change: c.153C>T on transcript NM_005876.5 (MANE Select); coding-DNA position 153, C replaced by T.
Protein change: p.Asn51=; no amino-acid change (asparagine 51 retained).
Molecular consequence: synonymous variant.
Genome position (GRCh38, 1-based): chr2:219,435,130, C>T. VCF-style: chr2-219435130-C-T. GRCh37 (hg19) VCF-style: chr2-220299852-C-T.
Identifiers: ClinVar variation 711118 (VCV000711118.35), dbSNP rs368226647, ClinGen allele CA2125345.